The following is an entry in ClinVar:

ClinVar aggregate classification (germline): Pathogenic/Likely pathogenic. Review status: criteria provided, multiple submitters, no conflicts (2 of 4 stars). 2 submissions from 2 submitters: Pathogenic (1); Likely pathogenic (1). Last evaluated 2024-10-23.

Conditions:
Citrin deficiency. Identifiers: Orphanet 247582, MedGen C1997910, MONDO:0016602.
Citrullinemia. Identifiers: Orphanet 187, MedGen C0175683, MONDO:0015991.

Submissions (2):

Natera, Inc.
Classification: Likely pathogenic for Citrullinemia. Last evaluated: 2024-10-23. Review status: criteria provided, single submitter. Criteria: Natera Variant Classification Schema (03/2026). Collection method: clinical testing. Allele origin: germline.
Comment: The c.16-2A>G variant in SLC25A13 is a canonical splice acceptor site variant predicted to affect pre-mRNA splicing, which may result in an abnormal transcript and altered protein product. This variant may result in a truncated or dysfunctional protein product. This variant is rare in the general population with a frequency below the threshold expected for the associated phenotype(s). Another variant at this same site results in an alteration predicted to cause a similar molecular effect has been observed in individual(s) with the associated phenotype. Given the available evidence, this variant is classified as Likely Pathogenic.

Labcorp Genetics (formerly Invitae), Labcorp
Classification: Pathogenic for Citrin deficiency. Last evaluated: 2023-08-24. Review status: criteria provided, single submitter. Criteria: Invitae Variant Classification Sherloc (09022015). Collection method: clinical testing. Allele origin: germline.
Comment: For these reasons, this variant has been classified as Pathogenic. Algorithms developed to predict the effect of sequence changes on RNA splicing suggest that this variant may disrupt the consensus splice site. ClinVar contains an entry for this variant (Variation ID: 1451135). Disruption of this splice site has been observed in individual(s) with citrin deficiency (PMID: 24069319). In at least one individual the data is consistent with being in trans (on the opposite chromosome) from a pathogenic variant. This variant is not present in population databases (gnomAD no frequency). This sequence change affects an acceptor splice site in intron 1 of the SLC25A13 gene. It is expected to disrupt RNA splicing. Variants that disrupt the donor or acceptor splice site typically lead to a loss of protein function (PMID: 16199547), and loss-of-function variants in SLC25A13 are known to be pathogenic (PMID: 10369257, 14680984, 27405544).

Literature cited by the submitters: PubMed 24069319 (cited by Labcorp Genetics (formerly Invitae), Labcorp); PubMed 16199547 (cited by Labcorp Genetics (formerly Invitae), Labcorp); PubMed 10369257 (cited by Labcorp Genetics (formerly Invitae), Labcorp); PubMed 14680984 (cited by Labcorp Genetics (formerly Invitae), Labcorp); PubMed 27405544 (cited by Labcorp Genetics (formerly Invitae), Labcorp).

NM_014251.3(SLC25A13):c.16-2A>G

Gene: SLC25A13 (solute carrier family 25 member 13; minus strand). Cytogenetic location: 7q21.3.
Variant type: single nucleotide variant.
Coding change: c.16-2A>G on transcript NM_014251.3 (MANE Select); the canonical splice acceptor site of the intron before coding-DNA position 16, A replaced by G.
Molecular consequence: splice acceptor variant.
Genome position (GRCh38, 1-based): chr7:96,296,953, T>C on the plus strand (A>G on the coding strand, the complement: SLC25A13 is on the minus strand). VCF-style: chr7-96296953-T-C. GRCh37 (hg19) VCF-style: chr7-95926265-T-C.
Other names: c.16-2A>G (NM_001160210.2, NM_014251.2).
Identifiers: ClinVar variation 1451135 (VCV001451135.9), dbSNP rs1799374421, ClinGen allele CA368408021.